The following is an entry in ClinVar:

NM_014780.5(CUL7):c.2705C>T (p.Pro902Leu)

Gene: CUL7 (cullin 7; minus strand). Cytogenetic location: 6p21.1.
Variant type: single nucleotide variant.
Coding change: c.2705C>T on transcript NM_014780.5 (MANE Select); coding-DNA position 2705, C replaced by T.
Protein change: p.Pro902Leu; replaces proline 902 with leucine.
Molecular consequence: missense variant.
Genome position (GRCh38, 1-based): chr6:43,046,047, G>A on the plus strand (C>T on the coding strand, the complement: CUL7 is on the minus strand). VCF-style: chr6-43046047-G-A. GRCh37 (hg19) VCF-style: chr6-43013785-G-A.
Other names: c.2801C>T, p.Pro934Leu (NM_001168370.2, NM_001374872.1); c.2705C>T, p.Pro902Leu (NM_001374873.1, NM_001374874.1); short protein forms P902L, P934L.
Identifiers: ClinVar variation 4536029 (VCV004536029.2).
Genomic context (GRCh38, chr6:43,046,047, plus strand): 5'-GAGTTGAGTTCCGTGTGAAGAGAGCTAGTGCTATCACCCCCGCACACCACCACTCGGGCC[G>A]GCATGTAACTCGAGTCCTCACTAGCCACAAGCAGAGTCAGTTGCCTGGGAGTGGGGAGGA-3'
Protein context (NP_055595.2, residues 892-912): LVASEDSSYM[Pro902Leu]ARVVVCGGDS

ClinVar aggregate classification (germline): Uncertain significance (1 of 4 stars; one submission).

gnomAD v4.1: 20 of 1,614,160 alleles (0.0012%); highest among the groups gnomAD compares: South Asian, 0.011%; no homozygotes.

Submission:

Women's Health and Genetics/Laboratory Corporation of America, LabCorp
Classification: Uncertain significance. Last evaluated: 2026-05-21. Review status: criteria provided, single submitter. Criteria: LabCorp Variant Classification Summary - May 2015. Collection method: clinical testing. Allele origin: germline.
Comment: Variant summary: CUL7 c.2705C>T (p.Pro902Leu) results in a non-conservative amino acid change in the encoded protein sequence. Algorithms developed to predict the effect of missense changes on protein structure and function all suggest that this variant is likely to be disruptive. The variant allele was found at a frequency of 2e-05 in 251434 control chromosomes. The available data on variant occurrences in the general population are insufficient to allow any conclusion about variant significance. To our knowledge, no occurrence of c.2705C>T in individuals affected with CUL7-related conditions and no experimental evidence demonstrating its impact on protein function have been reported. ClinVar contains an entry for this variant (Variation ID: 4536029). Based on the evidence outlined above, the variant was classified as uncertain significance.